The following is an entry in ClinVar:

ClinVar aggregate classification (germline): Uncertain significance (1 of 4 stars; one submission).

Allele frequency attached by ClinVar (database versions not stated): gnomAD 0.00001.
gnomAD v4.1: 1 of 1,613,982 alleles (0.000062%); highest among the groups gnomAD compares: African/African-American, 0.0013%; no homozygotes.

Submission:

Ambry Genetics
Classification: Uncertain significance. Last evaluated: 2021-09-01. Review status: criteria provided, single submitter. Criteria: Ambry Variant Classification Scheme 2023. Collection method: clinical testing. Allele origin: germline.
Comment: The p.A61T variant (also known as c.181G>A), located in coding exon 2 of the IDH1 gene, results from a G to A substitution at nucleotide position 181. The alanine at codon 61 is replaced by threonine, an amino acid with similar properties. This amino acid position is conserved. In addition, the in silico prediction for this alteration is inconclusive. Since supporting evidence is limited at this time, the clinical significance of this alteration remains unclear.

NM_005896.4(IDH1):c.181G>A (p.Ala61Thr)

Gene: IDH1 (isocitrate dehydrogenase (NADP(+)) 1; minus strand). Cytogenetic location: 2q34.
Variant type: single nucleotide variant.
Coding change: c.181G>A on transcript NM_005896.4 (MANE Select); coding-DNA position 181, G replaced by A.
Protein change: p.Ala61Thr; replaces alanine 61 with threonine.
Molecular consequence: missense variant.
Genome position (GRCh38, 1-based): chr2:208,248,602, C>T on the plus strand (G>A on the coding strand, the complement: IDH1 is on the minus strand). VCF-style: chr2-208248602-C-T. GRCh37 (hg19) VCF-style: chr2-209113326-C-T.
Other names: c.181G>A, p.Ala61Thr (NM_001282386.1, NM_001282387.1); short protein forms A61T.
Identifiers: ClinVar variation 1780744 (VCV001780744.2), dbSNP rs1473943942, ClinGen allele CA350102438.
Genomic context (GRCh38, chr2:208,248,602, plus strand): 5'-TCTCATCAGGAGTGATAGTGGCACATTTGACGCCAACATTATGCTTCTTTATAGCTTCTG[C>T]AGCATCCTTGGTGACTTGGTCGTTGGTGGCATCACGATTCTCTATGCCTAAATCATAGCT-3'
Protein context (NP_005887.2, residues 51-71): ATNDQVTKDA[Ala61Thr]EAIKKHNVGV